The following is an entry in ClinVar:

NM_000093.5(COL5A1):c.5136+421C>T

Genes: COL5A1 (collagen type V alpha 1 chain; plus strand), LOC101448202 (uncharacterized LOC101448202; minus strand). Cytogenetic location: 9q34.3.
Variant type: single nucleotide variant.
Coding change: c.5136+421C>T on transcript NM_000093.5 (MANE Select); 421 bases into the intron after coding-DNA position 5136, C replaced by T.
Molecular consequence: intron variant.
Genome position (GRCh38, 1-based): chr9:134,830,465, C>T. VCF-style: chr9-134830465-C-T. GRCh37 (hg19) VCF-style: chr9-137722311-C-T.
Other names: c.5136+289C>T (NM_001278074.1).
Identifiers: ClinVar variation 668951 (VCV000668951.1), dbSNP rs4842174, ClinGen allele CA13003263.
Genomic context (GRCh38, chr9:134,830,465, plus strand): 5'-TGTGTAGGGCGCGCAGAGCTGGGTGTGGGCCCCAGCCTGAGCTGATCCTCTGCCCACAGA[C>T]GGTGCAGCCCCAGGCACCTGAGCACTGAGGTCAGACGCTCCAGAAGCAGGAGCGCTTTCA-3'

ClinVar aggregate classification (germline): Benign (1 of 4 stars; one submission).

Allele frequency attached by ClinVar (database versions not stated): gnomAD 0.23337 and 0.24060; gnomAD exomes 0.23967; TOPMed 0.24907; 1000 Genomes Project 30x 0.33120; 1000 Genomes Project 0.33606.
gnomAD v4.1: 126,300 of 526,900 alleles (24%); highest among the groups gnomAD compares: East Asian, 46%; 17,373 homozygotes.

Submission:

GeneDx
Classification: Benign. Last evaluated: 2018-06-19. Review status: criteria provided, single submitter. Criteria: GeneDx Variant Classification (06012015). Collection method: clinical testing. Allele origin: germline. Affected: yes.
Comment: This variant is considered likely benign or benign based on one or more of the following criteria: it is a conservative change, it occurs at a poorly conserved position in the protein, it is predicted to be benign by multiple in silico algorithms, and/or has population frequency not consistent with disease.